The following is an entry in ClinVar:

ClinVar aggregate classification (germline): Uncertain significance (1 of 4 stars; one submission).

Conditions:
MHC class I deficiency. Identifiers: Orphanet 34592, MedGen C6024714, MONDO:0011476.

Submission:

Labcorp Genetics (formerly Invitae), Labcorp
Classification: Uncertain significance for MHC class I deficiency 1. Last evaluated: 2022-07-19. Review status: criteria provided, single submitter. Criteria: Invitae Variant Classification Sherloc (09022015). Collection method: clinical testing. Allele origin: germline.
Comment: This variant has not been reported in the literature in individuals affected with TAPBP-related conditions. This variant is not present in population databases (gnomAD no frequency). This sequence change replaces threonine, which is neutral and polar, with serine, which is neutral and polar, at codon 110 of the TAPBP protein (p.Thr110Ser). ClinVar contains an entry for this variant (Variation ID: 1054227). In summary, the available evidence is currently insufficient to determine the role of this variant in disease. Therefore, it has been classified as a Variant of Uncertain Significance. Algorithms developed to predict the effect of missense changes on protein structure and function output the following: SIFT: "Tolerated"; PolyPhen-2: "Benign"; Align-GVGD: "Class C0". The serine amino acid residue is found in multiple mammalian species, which suggests that this missense change does not adversely affect protein function.

NM_003190.5(TAPBP):c.328A>T (p.Thr110Ser)

Gene: TAPBP (TAP binding protein; minus strand). Cytogenetic location: 6p21.32.
Variant type: single nucleotide variant.
Coding change: c.328A>T on transcript NM_003190.5 (MANE Select); coding-DNA position 328, A replaced by T.
Protein change: p.Thr110Ser; replaces threonine 110 with serine.
Molecular consequence: missense variant. On other transcripts: intron variant (1).
Genome position (GRCh38, 1-based): chr6:33,313,358, T>A on the plus strand (A>T on the coding strand, the complement: TAPBP is on the minus strand). VCF-style: chr6-33313358-T-A. GRCh37 (hg19) VCF-style: chr6-33281135-T-A.
Other names: c.328A>T, p.Thr110Ser (NM_172208.3); c.208+336A>T (NM_172209.3); short protein forms T110S.
Identifiers: ClinVar variation 1054227 (VCV001054227.9), dbSNP rs2150974653, ClinGen allele CA363621016.